The following is an entry in ClinVar:

NM_001114753.3(ENG):c.1del (p.Met1fs)

Gene: ENG (endoglin; minus strand). Cytogenetic location: 9q34.11.
Variant type: Deletion.
Coding change: c.1del on transcript NM_001114753.3 (MANE Select); coding-DNA position 1, one base deleted (A; older notation c.1delA).
Protein change: p.Met1fs; shifts the reading frame from methionine 1.
Molecular consequence: frameshift variant, initiator codon variant.
Genome position (GRCh38, 1-based): chr9:127,854,355, T deleted on the plus strand (A on the coding strand, the reverse complement: ENG is on the minus strand). VCF-style (leftmost placement, unchanged base first): chr9-127854354-AT-A. GRCh37 (hg19) VCF-style: chr9-130616633-AT-A.
Other names: c.1del, p.Met1fs (NM_000118.4, NM_001406715.1); short protein forms M1fs.
Identifiers: ClinVar variation 3844845 (VCV003844845.1).

ClinVar aggregate classification (germline): Pathogenic (1 of 4 stars; one submission).

Conditions:
Cardiovascular phenotype. Identifiers: MedGen CN230736.

Submission:

Ambry Genetics
Classification: Pathogenic for Cardiovascular phenotype. Last evaluated: 2024-12-17. Review status: criteria provided, single submitter. Criteria: Ambry Variant Classification Scheme 2023. Collection method: clinical testing. Allele origin: germline.
Comment: The p.M1? pathogenic mutation (also known as c.1delA) is located in coding exon 1 of the ENG gene and results from the deletion a nucleotide at nucleotide position 1. This alters the methionine residue at the initiation codon (ATG). This variant was reported in individual(s) with features consistent with hereditary hemorrhagic telangiectasia (HHT) (Ambry internal data). This variant is considered to be rare based on population cohorts in the Genome Aggregation Database (gnomAD). In addition to the clinical data presented in the literature, sequence variations that modify the initiation codon are expected to result in either loss of translation initiation, N-terminal truncation, or cause a shift in the mRNA reading frame. Based on the supporting evidence, this variant is interpreted as a disease-causing mutation.